The following is an entry in ClinVar:

ClinVar aggregate classification (germline): Uncertain significance (1 of 4 stars; one submission).

Conditions:
Coffin-Siris syndrome 6. Identifiers: MedGen C4540499, MONDO:0033492, OMIM 617808.

Allele frequency attached by ClinVar (database versions not stated): gnomAD 0.00001.

Submission:

GeneDx
Classification: Uncertain significance. Last evaluated: 2021-11-12. Review status: criteria provided, single submitter. Criteria: GeneDx Variant Classification Process June 2021. Collection method: clinical testing. Allele origin: germline. Affected: yes.
Comment: In silico analysis supports that this missense variant has a deleterious effect on protein structure/function; Has not been previously published as pathogenic or benign to our knowledge

NM_152641.4(ARID2):c.5359C>T (p.Arg1787Cys)

Gene: ARID2 (AT-rich interaction domain 2; plus strand). Cytogenetic location: 12q12.
Variant type: single nucleotide variant.
Coding change: c.5359C>T on transcript NM_152641.4 (MANE Select); coding-DNA position 5359, C replaced by T.
Protein change: p.Arg1787Cys; replaces arginine 1787 with cysteine.
Molecular consequence: missense variant.
Genome position (GRCh38, 1-based): chr12:45,893,717, C>T. VCF-style: chr12-45893717-C-T. GRCh37 (hg19) VCF-style: chr12-46287500-C-T.
Other names: c.5359C>T, p.Arg1787Cys (NM_001347839.2); short protein forms R1787C.
Identifiers: ClinVar variation 1684075 (VCV001684075.5), dbSNP rs1457405698, ClinGen allele CA384499106.